The following is an entry in ClinVar:

NM_001378778.1(MPDZ):c.278T>G (p.Phe93Cys)

Gene: MPDZ (multiple PDZ domain crumbs cell polarity complex component; minus strand). Cytogenetic location: 9p23.
Variant type: single nucleotide variant.
Coding change: c.278T>G on transcript NM_001378778.1 (MANE Select); coding-DNA position 278, T replaced by G.
Protein change: p.Phe93Cys; replaces phenylalanine 93 with cysteine.
Molecular consequence: missense variant.
Genome position (GRCh38, 1-based): chr9:13,224,489, A>C on the plus strand (T>G on the coding strand, the complement: MPDZ is on the minus strand). VCF-style: chr9-13224489-A-C. GRCh37 (hg19) VCF-style: chr9-13224488-A-C.
Other names: c.278T>G, p.Phe93Cys (NM_001261406.2, NM_001261407.2, NM_001330637.2 and 14 more transcripts); short protein forms F93C.
Identifiers: ClinVar variation 709856 (VCV000709856.14), dbSNP rs139373441, ClinGen allele CA4988169.
Genomic context (GRCh38, chr9:13,224,489, plus strand): 5'-ATGTGTGGAATACCAGGTCCTGTAAGTGCTTCCAGATTCCCATTGTTTGGGGATAATAAA[A>C]ACGATTCATTTTGCAGAGTAGGAATCACAGCTGGGCTGAGATGAGGAACGTGGGCATATT-3'
Protein context (NP_001365707.1, residues 83-103): AVIPTLQNES[Phe93Cys]LLSPNNGNLE

ClinVar aggregate classification (germline): Benign/Likely benign. Review status: criteria provided, multiple submitters, no conflicts (2 of 4 stars). 3 submissions from 3 submitters: Benign (1); Likely benign (1). 1 of the submissions does not count toward it. Last evaluated 2026-01-28.

Conditions:
MPDZ-related disorder. Also called: MPDZ-related condition.

Allele frequency attached by ClinVar (database versions not stated): ESP Exome Variant Server 0.00454; gnomAD 0.00486 and 0.00514; 1000 Genomes Project 0.00499; 1000 Genomes Project 30x 0.00500; TOPMed 0.00502.
gnomAD v4.1: 1,418 of 1,612,810 alleles (0.088%); highest among the groups gnomAD compares: African/African-American, 1.6%; 11 homozygotes.

Submissions (3):

Labcorp Genetics (formerly Invitae), Labcorp
Classification: Benign. Last evaluated: 2026-01-28. Review status: criteria provided, single submitter. Criteria: Invitae Variant Classification Sherloc (09022015). Collection method: clinical testing. Allele origin: germline.

Blueprint Genetics
Classification: Likely benign. Last evaluated: 2024-11-25. Review status: criteria provided, single submitter. Criteria: ACMG Guidelines, 2015. Collection method: clinical testing. Allele origin: germline.

PreventionGenetics, part of Exact Sciences
Classification: Benign for MPDZ-related condition. Last evaluated: 2019-09-06. Review status: no assertion criteria provided. Collection method: clinical testing. Allele origin: germline. Not counted in ClinVar's aggregate classification.
Comment: This variant is classified as benign based on ACMG/AMP sequence variant interpretation guidelines (Richards et al. 2015 PMID: 25741868, with internal and published modifications).